The following is an entry in ClinVar:

ClinVar aggregate classification (germline): Uncertain significance (1 of 4 stars; one submission).

Submission:

GeneDx
Classification: Uncertain significance. Last evaluated: 2023-06-20. Review status: criteria provided, single submitter. Criteria: GeneDx Variant Classification Process June 2021. Collection method: clinical testing. Allele origin: germline. Affected: yes.
Comment: Not observed at significant frequency in large population cohorts (gnomAD); In silico analysis supports that this missense variant does not alter protein structure/function; Has not been previously published as pathogenic or benign to our knowledge

NM_001291303.3(FAT4):c.12715A>G (p.Met4239Val)

Gene: FAT4 (FAT atypical cadherin 4; plus strand). Cytogenetic location: 4q28.1.
Variant type: single nucleotide variant.
Coding change: c.12715A>G on transcript NM_001291303.3 (MANE Select); coding-DNA position 12715, A replaced by G.
Protein change: p.Met4239Val; replaces methionine 4239 with valine.
Molecular consequence: missense variant.
Genome position (GRCh38, 1-based): chr4:125,481,631, A>G. VCF-style: chr4-125481631-A-G. GRCh37 (hg19) VCF-style: chr4-126402786-A-G.
Other names: c.12715A>G, p.Met4239Val (NM_001291285.3); c.12709A>G, p.Met4237Val (NM_024582.6); short protein forms M4237V, M4239V.
Identifiers: ClinVar variation 3359879 (VCV003359879.1).